The following is an entry in ClinVar:

NM_000338.3(SLC12A1):c.2628del (p.Asp877fs)

Gene: SLC12A1 (solute carrier family 12 member 1; plus strand). Cytogenetic location: 15q21.1.
Variant type: Deletion.
Coding change: c.2628del on transcript NM_000338.3 (MANE Select); coding-DNA position 2628, one base deleted (A; older notation c.2628delA).
Protein change: p.Asp877fs; shifts the reading frame from aspartic acid 877.
Molecular consequence: frameshift variant.
Genome position (GRCh38, 1-based): chr15:48,285,248, A deleted; the last of 6 consecutive A bases (chr15:48,285,243-48,285,248); deleting any one gives the same sequence. VCF-style (leftmost placement, unchanged base first): chr15-48285242-TA-T. GRCh37 (hg19) VCF-style: chr15-48577439-TA-T.
Other names: c.2628del, p.Asp877fs (NM_001184832.2, NM_001384136.1); short protein forms D877fs.
Identifiers: ClinVar variation 2808015 (VCV002808015.3), dbSNP rs1419151341, ClinGen allele CA617825312.

ClinVar aggregate classification (germline): Pathogenic (1 of 4 stars; one submission).

Submission:

Labcorp Genetics (formerly Invitae), Labcorp
Classification: Pathogenic. Last evaluated: 2023-04-30. Review status: criteria provided, single submitter. Criteria: Invitae Variant Classification Sherloc (09022015). Collection method: clinical testing. Allele origin: germline.
Comment: This sequence change creates a premature translational stop signal (p.Asp877Metfs*46) in the SLC12A1 gene. It is expected to result in an absent or disrupted protein product. Loss-of-function variants in SLC12A1 are known to be pathogenic (PMID: 8640224, 9585600, 19096086). This variant is not present in population databases (gnomAD no frequency). This variant has not been reported in the literature in individuals affected with SLC12A1-related conditions. For these reasons, this variant has been classified as Pathogenic.

Literature cited by the submitters: PubMed 8640224; PubMed 9585600; PubMed 19096086.